The following is an entry in ClinVar:

NM_013266.4(CTNNA3):c.2410G>A (p.Val804Ile)

Gene: CTNNA3 (catenin alpha 3; minus strand). Cytogenetic location: 10q21.3.
Variant type: single nucleotide variant.
Coding change: c.2410G>A on transcript NM_013266.4 (MANE Select); coding-DNA position 2410, G replaced by A.
Protein change: p.Val804Ile; replaces valine 804 with isoleucine.
Molecular consequence: missense variant.
Genome position (GRCh38, 1-based): chr10:65,920,608, C>T on the plus strand (G>A on the coding strand, the complement: CTNNA3 is on the minus strand). VCF-style: chr10-65920608-C-T. GRCh37 (hg19) VCF-style: chr10-67680366-C-T.
Other names: c.2410G>A, p.Val804Ile (NM_001127384.3); short protein forms V804I.
Identifiers: ClinVar variation 1896249 (VCV001896249.5), dbSNP rs370688983, ClinGen allele CA5519583.

ClinVar aggregate classification (germline): Uncertain significance (1 of 4 stars; one submission).

Conditions:
Arrhythmogenic right ventricular dysplasia 13. Also called: ARRHYTHMOGENIC RIGHT VENTRICULAR CARDIOMYOPATHY 13; Arrhythmogenic right ventricular dysplasia, familial, 13. Identifiers: MedGen C3810138, MONDO:0000908, OMIM 615616.

Allele frequency attached by ClinVar (database versions not stated): gnomAD exomes below 0.00001; ExAC 0.00002; ESP Exome Variant Server 0.00008.
gnomAD v4.1: 3 of 1,612,948 alleles (0.00019%); highest among the groups gnomAD compares: Non-Finnish European, 0.00017%; no homozygotes.

Submission:

Labcorp Genetics (formerly Invitae), Labcorp
Classification: Uncertain significance for Arrhythmogenic right ventricular dysplasia 13. Last evaluated: 2022-05-05. Review status: criteria provided, single submitter. Criteria: Invitae Variant Classification Sherloc (09022015). Collection method: clinical testing. Allele origin: germline.
Comment: In summary, the available evidence is currently insufficient to determine the role of this variant in disease. Therefore, it has been classified as a Variant of Uncertain Significance. Algorithms developed to predict the effect of missense changes on protein structure and function are either unavailable or do not agree on the potential impact of this missense change (SIFT: "Tolerated"; PolyPhen-2: "Not Available"; Align-GVGD: "Class C0"). This variant has not been reported in the literature in individuals affected with CTNNA3-related conditions. This variant is present in population databases (rs370688983, gnomAD 0.002%). This sequence change replaces valine, which is neutral and non-polar, with isoleucine, which is neutral and non-polar, at codon 804 of the CTNNA3 protein (p.Val804Ile).